The following is an entry in ClinVar:

ClinVar aggregate classification (germline): Uncertain significance. Review status: criteria provided, multiple submitters, no conflicts (2 of 4 stars). 2 submissions from 2 submitters: Uncertain significance (2). Last evaluated 2023-02-20.

Conditions:
Early-infantile DEE. Also called: Early infantile epileptic encephalopathy; Early infantile epileptic encephalopathy with suppression bursts; Ohtahara syndrome. Identifiers: Orphanet 1934, MedGen C0393706, MONDO:0800491.

gnomAD v4.1: 1 of 1,596,878 alleles (0.000063%); highest among the groups gnomAD compares: Non-Finnish European, 0.000086%; no homozygotes.

Submissions (2):

Labcorp Genetics (formerly Invitae), Labcorp
Classification: Uncertain significance for Early-infantile DEE. Last evaluated: 2023-02-20. Review status: criteria provided, single submitter. Criteria: Invitae Variant Classification Sherloc (09022015). Collection method: clinical testing. Allele origin: germline.
Comment: This sequence change replaces isoleucine, which is neutral and non-polar, with leucine, which is neutral and non-polar, at codon 49 of the GNAO1 protein (p.Ile49Leu). This variant is not present in population databases (gnomAD no frequency). This variant has not been reported in the literature in individuals affected with GNAO1-related conditions. ClinVar contains an entry for this variant (Variation ID: 1313127). Advanced modeling of protein sequence and biophysical properties (such as structural, functional, and spatial information, amino acid conservation, physicochemical variation, residue mobility, and thermodynamic stability) has been performed at Invitae for this missense variant, however the output from this modeling did not meet the statistical confidence thresholds required to predict the impact of this variant on GNAO1 protein function. In summary, the available evidence is currently insufficient to determine the role of this variant in disease. Therefore, it has been classified as a Variant of Uncertain Significance.

GeneDx
Classification: Uncertain significance. Last evaluated: 2020-07-20. Review status: criteria provided, single submitter. Criteria: GeneDx Variant Classification Process June 2021. Collection method: clinical testing. Allele origin: germline. Affected: yes.
Comment: Not observed in large population cohorts (Lek et al., 2016); In silico analysis supports that this missense variant does not alter protein structure/function; Has not been previously published as pathogenic or benign to our knowledge

NM_020988.3(GNAO1):c.145A>C (p.Ile49Leu)

Gene: GNAO1 (G protein subunit alpha o1; plus strand). Cytogenetic location: 16q13.
Variant type: single nucleotide variant.
Coding change: c.145A>C on transcript NM_020988.3 (MANE Select); coding-DNA position 145, A replaced by C.
Protein change: p.Ile49Leu; replaces isoleucine 49 with leucine.
Molecular consequence: missense variant.
Genome position (GRCh38, 1-based): chr16:56,192,600, A>C. VCF-style: chr16-56192600-A-C. GRCh37 (hg19) VCF-style: chr16-56226512-A-C.
Other names: c.145A>C, p.Ile49Leu (NM_138736.3); short protein forms I49L.
Identifiers: ClinVar variation 1313127 (VCV001313127.7), dbSNP rs763223472, ClinGen allele CA396128623.